The following is an entry in ClinVar:

NM_004370.6(COL12A1):c.2722C>T (p.Pro908Ser)

Gene: COL12A1 (collagen type XII alpha 1 chain; minus strand). Cytogenetic location: 6q13.
Variant type: single nucleotide variant.
Coding change: c.2722C>T on transcript NM_004370.6 (MANE Select); coding-DNA position 2722, C replaced by T.
Protein change: p.Pro908Ser; replaces proline 908 with serine.
Molecular consequence: missense variant. On other transcripts: intron variant (2).
Genome position (GRCh38, 1-based): chr6:75,165,768, G>A on the plus strand (C>T on the coding strand, the complement: COL12A1 is on the minus strand). VCF-style: chr6-75165768-G-A. GRCh37 (hg19) VCF-style: chr6-75875484-G-A.
Other names: c.2722C>T, p.Pro908Ser (NM_001424113.1, NM_001424114.1); c.2449C>T, p.Pro817Ser (NM_001424115.1); c.74-13286C>T (NM_001424116.1, NM_080645.3); short protein forms P817S, P908S.
Identifiers: ClinVar variation 2939708 (VCV002939708.3), dbSNP rs780798032, ClinGen allele CA141017433.

ClinVar aggregate classification (germline): Uncertain significance (1 of 4 stars; one submission).

Conditions:
Ullrich congenital muscular dystrophy 2 (UCMD2). Identifiers: Orphanet 75840, MedGen C4225314, MONDO:0014654, OMIM 616470.
Bethlem myopathy 2 (BTHLM2). Identifiers: Orphanet 536516, Orphanet 610, MedGen C4225313, MONDO:0034022, OMIM 616471.

Allele frequency attached by ClinVar (database versions not stated): gnomAD exomes 0.00001.
gnomAD v4.1: 9 of 1,613,634 alleles (0.00056%); highest among the groups gnomAD compares: Non-Finnish European, 0.00076%; no homozygotes.

Submission:

Labcorp Genetics (formerly Invitae), Labcorp
Classification: Uncertain significance for Bethlem myopathy 2; Ullrich congenital muscular dystrophy 2. Last evaluated: 2023-04-04. Review status: criteria provided, single submitter. Criteria: Invitae Variant Classification Sherloc (09022015). Collection method: clinical testing. Allele origin: germline.
Comment: In summary, the available evidence is currently insufficient to determine the role of this variant in disease. Therefore, it has been classified as a Variant of Uncertain Significance. Advanced modeling of protein sequence and biophysical properties (such as structural, functional, and spatial information, amino acid conservation, physicochemical variation, residue mobility, and thermodynamic stability) performed at Invitae indicates that this missense variant is not expected to disrupt COL12A1 protein function. This variant has not been reported in the literature in individuals affected with COL12A1-related conditions. This variant is present in population databases (rs780798032, gnomAD 0.0009%). This sequence change replaces proline, which is neutral and non-polar, with serine, which is neutral and polar, at codon 908 of the COL12A1 protein (p.Pro908Ser).